The following is an entry in ClinVar:

NM_000369.5(TSHR):c.3G>A (p.Met1Ile)

Genes: CEP128 (centrosomal protein 128; minus strand), TSHR (thyroid stimulating hormone receptor; plus strand). Cytogenetic location: 14q31.1.
Variant type: single nucleotide variant.
Coding change: c.3G>A on transcript NM_000369.5 (MANE Select); coding-DNA position 3, G replaced by A.
Protein change: p.Met1Ile; changes the start codon (methionine 1).
Molecular consequence: missense variant, initiator codon variant.
Genome position (GRCh38, 1-based): chr14:80,955,683, G>A. VCF-style: chr14-80955683-G-A. GRCh37 (hg19) VCF-style: chr14-81422027-G-A.
Other names: c.3G>A, p.Met1Ile (NM_001018036.3, NM_001142626.3); short protein forms M1I.
Identifiers: ClinVar variation 4055803 (VCV004055803.2).

ClinVar aggregate classification (germline): Likely pathogenic (1 of 4 stars; one submission).

gnomAD v4.1: 2 of 1,613,986 alleles (0.00012%); highest among the groups gnomAD compares: African/African-American, 0.0027%; no homozygotes.

Submission:

GeneDx
Classification: Likely pathogenic. Last evaluated: 2025-12-29. Review status: criteria provided, single submitter. Criteria: GeneDx Variant Classification Process June 2021. Collection method: clinical testing. Allele origin: germline.
Comment: Initiation codon variant in a gene for which loss of function is a known mechanism of disease; Not observed at significant frequency in large population cohorts (gnomAD); Has not been previously published as pathogenic or benign to our knowledge